The following is an entry in ClinVar:

NM_000138.5(FBN1):c.457G>A (p.Gly153Ser)

Gene: FBN1 (fibrillin 1; minus strand). Cytogenetic location: 15q21.1.
Variant type: single nucleotide variant.
Coding change: c.457G>A on transcript NM_000138.5 (MANE Select); coding-DNA position 457, G replaced by A.
Protein change: p.Gly153Ser; replaces glycine 153 with serine.
Molecular consequence: missense variant.
Genome position (GRCh38, 1-based): chr15:48,596,364, C>T on the plus strand (G>A on the coding strand, the complement: FBN1 is on the minus strand). VCF-style: chr15-48596364-C-T. GRCh37 (hg19) VCF-style: chr15-48888561-C-T.
Other names: short protein forms G153S.
Identifiers: ClinVar variation 915553 (VCV000915553.14), dbSNP rs995711019, ClinGen allele CA270049522.
Genomic context (GRCh38, chr15:48,596,364, plus strand): 5'-TAAATCCGTAAGTGCATGCACATCGATTTGGGGCCACACACCTTCCTCCATTGAGACAGC[C>T]ACTTTCACAAACAGCTGTAAAATAAGGAGAGAGCTGAGACGCTTTACCTGAAAATAAATG-3'
Protein context (NP_000129.3, residues 143-163): THCGQPVCES[Gly153Ser]CLNGGRCVAP

ClinVar aggregate classification (germline): Uncertain significance. Review status: criteria provided, multiple submitters, no conflicts (2 of 4 stars). 5 submissions from 5 submitters: Uncertain significance (5). Last evaluated 2026-03-18.

Conditions:
Familial thoracic aortic aneurysm and aortic dissection (TAAD). Also called: Thoracic aortic aneurysms and dissections. Identifiers: Orphanet 91387, MedGen C4707243, MONDO:0019625.
Marfan syndrome (MFS). Also called: MARFAN SYNDROME, TYPE I; Marfan syndrome, classic; FBN1-Related Marfan Syndrome; Marfan syndrome type 1; Marfan's syndrome. Identifiers: Orphanet 284963, Orphanet 558, MedGen C0024796, MONDO:0007947, OMIM 154700.

Allele frequency attached by ClinVar (database versions not stated): gnomAD exomes below 0.00001.

Submissions (5):

GeneDx
Classification: Uncertain significance. Last evaluated: 2026-03-18. Review status: criteria provided, single submitter. Criteria: GeneDx Variant Classification Process June 2021. Collection method: clinical testing. Allele origin: germline.
Comment: Not observed at significant frequency in large population cohorts (gnomAD); In silico analysis supports that this missense variant has a deleterious effect on protein structure/function; Has not been previously published as pathogenic or benign to our knowledge; Does not affect a cysteine or calcium-binding residue within an EGF-like domain or a TGF-binding protein domain of the FBN1 gene; cysteine substitutions in the EGF-like domains represent the majority of pathogenic missense changes associated with FBN1-related disorders (PMID: 12938084); This variant is associated with the following publications: (PMID: 12938084)

Ambry Genetics
Classification: Uncertain significance for Familial thoracic aortic aneurysm and aortic dissection. Last evaluated: 2026-01-10. Review status: criteria provided, single submitter. Criteria: Ambry Variant Classification Scheme 2023. Collection method: clinical testing. Allele origin: germline.
Comment: The p.G153S variant (also known as c.457G>A), located in coding exon 5 of the FBN1 gene, results from a G to A substitution at nucleotide position 457. The glycine at codon 153 is replaced by serine, an amino acid with similar properties. This amino acid position is conserved. In addition, the in silico prediction for this alteration is inconclusive. Based on the available evidence, the clinical significance of this variant remains unclear.

Labcorp Genetics (formerly Invitae), Labcorp
Classification: Uncertain significance for Marfan syndrome; Familial thoracic aortic aneurysm and aortic dissection. Last evaluated: 2025-09-04. Review status: criteria provided, single submitter. Criteria: Invitae Variant Classification Sherloc (09022015). Collection method: clinical testing. Allele origin: germline.
Comment: This sequence change replaces glycine, which is neutral and non-polar, with serine, which is neutral and polar, at codon 153 of the FBN1 protein (p.Gly153Ser). This variant is not present in population databases (gnomAD no frequency). This variant has not been reported in the literature in individuals affected with FBN1-related conditions. ClinVar contains an entry for this variant (Variation ID: 915553). Invitae Evidence Modeling of protein sequence and biophysical properties (such as structural, functional, and spatial information, amino acid conservation, physicochemical variation, residue mobility, and thermodynamic stability) has been performed for this missense variant. However, the output from this modeling did not meet the statistical confidence thresholds required to predict the impact of this variant on FBN1 protein function. In summary, the available evidence is currently insufficient to determine the role of this variant in disease. Therefore, it has been classified as a Variant of Uncertain Significance.

All of Us Research Program, National Institutes of Health
Classification: Uncertain significance for Marfan syndrome. Last evaluated: 2023-08-15. Review status: criteria provided, single submitter. Criteria: ACMG Guidelines, 2015. Collection method: clinical testing. Allele origin: germline. Inheritance: Autosomal dominant inheritance. Observed: 1 variant allele, 1 heterozygote.
Comment: This missense variant replaces glycine with serine at codon 153 of the FBN1 protein. Computational prediction suggests that this variant may not impact protein structure and function (internally defined REVEL score threshold <= 0.5, PMID: 27666373). To our knowledge, functional studies have not been reported for this variant. This variant has not been reported in individuals affected with FBN1-related disorders in the literature. This variant has not been identified in the general population by the Genome Aggregation Database (gnomAD). The available evidence is insufficient to determine the role of this variant in disease conclusively. Therefore, this variant is classified as a Variant of Uncertain Significance.

This study involves interpretation of variants in research participants for the purpose of population health screening. Participant phenotype was not available at the time of variant classification. Additional details can be found in publication PMID: 35346344, PMCID: PMC8962531

CHEO Genetics Diagnostic Laboratory, Children's Hospital of Eastern Ontario
Classification: Uncertain significance for Familial thoracic aortic aneurysm and aortic dissection. Last evaluated: 2020-10-07. Review status: criteria provided, single submitter. Criteria: ACMG Guidelines, 2015. Collection method: clinical testing. Allele origin: germline.